The following is an entry in ClinVar:

NM_031433.4(MFRP):c.163C>T (p.Arg55Cys)

Genes: C1QTNF5 (C1q and TNF related 5; minus strand), MFRP (membrane frizzled-related protein; minus strand). Cytogenetic location: 11q23.3.
Variant type: single nucleotide variant.
Coding change: c.163C>T on transcript NM_031433.4 (MANE Select); coding-DNA position 163, C replaced by T.
Protein change: p.Arg55Cys; replaces arginine 55 with cysteine.
Molecular consequence: missense variant. On other transcripts: 5 prime UTR variant (1).
Genome position (GRCh38, 1-based): chr11:119,346,154, G>A on the plus strand (C>T on the coding strand, the complement: MFRP is on the minus strand). VCF-style: chr11-119346154-G-A. GRCh37 (hg19) VCF-style: chr11-119216864-G-A.
Other names: c.-2474C>T (NM_015645.5); short protein forms R55C.
Identifiers: ClinVar variation 167300 (VCV000167300.15), dbSNP rs727504016, ClinGen allele CA017277.

ClinVar aggregate classification (germline): Uncertain significance. Review status: criteria provided, multiple submitters, no conflicts (2 of 4 stars). 4 submissions from 4 submitters: Uncertain significance (4). Last evaluated 2025-10-24.

Conditions:
Inborn genetic diseases. Identifiers: MedGen C0950123, MeSH D030342.
Isolated microphthalmia 5. Also called: Posterior Microphthalmia with Retinitis Pigmentosa, Foveoschisis, and Optic Disc Drusen. Identifiers: Orphanet 251279, MedGen C1970236, MONDO:0012605, OMIM 611040.

Allele frequency attached by ClinVar (database versions not stated): TOPMed 0.00002; ExAC 0.00002; gnomAD exomes 0.00001.
gnomAD v4.1: 19 of 1,590,128 alleles (0.0012%); highest among the groups gnomAD compares: Admixed American, 0.0036%; no homozygotes.

Submissions (4):

Ambry Genetics
Classification: Uncertain significance for Inborn genetic diseases. Last evaluated: 2025-10-24. Review status: criteria provided, single submitter. Criteria: Ambry Variant Classification Scheme 2023. Collection method: clinical testing. Allele origin: germline.

Labcorp Genetics (formerly Invitae), Labcorp
Classification: Uncertain significance for Isolated microphthalmia 5. Last evaluated: 2024-04-30. Review status: criteria provided, single submitter. Criteria: Invitae Variant Classification Sherloc (09022015). Collection method: clinical testing. Allele origin: germline.
Comment: This sequence change replaces arginine, which is basic and polar, with cysteine, which is neutral and slightly polar, at codon 55 of the MFRP protein (p.Arg55Cys). The frequency data for this variant in the population databases is considered unreliable, as metrics indicate poor data quality at this position in the gnomAD database. This variant has not been reported in the literature in individuals affected with MFRP-related conditions. ClinVar contains an entry for this variant (Variation ID: 167300). Advanced modeling of protein sequence and biophysical properties (such as structural, functional, and spatial information, amino acid conservation, physicochemical variation, residue mobility, and thermodynamic stability) performed at Invitae indicates that this missense variant is not expected to disrupt MFRP protein function with a negative predictive value of 80%. In summary, the available evidence is currently insufficient to determine the role of this variant in disease. Therefore, it has been classified as a Variant of Uncertain Significance.

Blueprint Genetics
Classification: Uncertain significance. Last evaluated: 2023-09-05. Review status: criteria provided, single submitter. Criteria: ACMG Guidelines, 2015. Collection method: clinical testing. Allele origin: germline.

Eurofins Ntd Llc (ga)
Classification: Uncertain significance. Last evaluated: 2014-01-20. Review status: criteria provided, single submitter. Criteria: EGL Classification Definitions 2015. Collection method: clinical testing. Allele origin: germline. Observed: 1 variant allele, 1 heterozygote.